The following is an entry in ClinVar:

NM_001077350.3(NPRL3):c.481C>T (p.Gln161Ter)

Genes: HBA-LCR (alpha-globin locus control region; plus strand), NPRL3 (NPR3 like, GATOR1 complex subunit; minus strand). Cytogenetic location: 16p13.3.
Variant type: single nucleotide variant.
Coding change: c.481C>T on transcript NM_001077350.3 (MANE Select); coding-DNA position 481, C replaced by T.
Protein change: p.Gln161Ter; replaces glutamine 161 with a stop codon.
Molecular consequence: nonsense. On other transcripts: 5 prime UTR variant (1).
Genome position (GRCh38, 1-based): chr16:112,688, G>A on the plus strand (C>T on the coding strand, the complement: NPRL3 is on the minus strand). VCF-style: chr16-112688-G-A. GRCh37 (hg19) VCF-style: chr16-162687-G-A.
Other names: c.-57C>T (NM_001039476.3); c.247C>T, p.Gln83Ter (NM_001243247.2); c.406C>T, p.Gln136Ter (NM_001243248.2, NM_001243249.2); short protein forms Q83*, Q161*, Q136*.
Identifiers: ClinVar variation 845588 (VCV000845588.7), dbSNP rs1899868619, ClinGen allele CA393993855.

ClinVar aggregate classification (germline): Pathogenic (1 of 4 stars; one submission).

Conditions:
Epilepsy, familial focal, with variable foci 3 (FFEVF3). Identifiers: MedGen C4310708, MONDO:0014925, OMIM 617118.

Submission:

Labcorp Genetics (formerly Invitae), Labcorp
Classification: Pathogenic for Epilepsy, familial focal, with variable foci 3. Last evaluated: 2022-07-19. Review status: criteria provided, single submitter. Criteria: Invitae Variant Classification Sherloc (09022015). Collection method: clinical testing. Allele origin: germline.
Comment: For these reasons, this variant has been classified as Pathogenic. ClinVar contains an entry for this variant (Variation ID: 845588). This variant has not been reported in the literature in individuals affected with NPRL3-related conditions. This variant is not present in population databases (gnomAD no frequency). This sequence change creates a premature translational stop signal (p.Gln161*) in the NPRL3 gene. It is expected to result in an absent or disrupted protein product. Loss-of-function variants in NPRL3 are known to be pathogenic (PMID: 26285051, 26505888).

Literature cited by the submitters: PubMed 26285051; PubMed 26505888.